The following is an entry in ClinVar:

NM_001130917.3(LILRA2):c.777A>G (p.Gly259=)

Gene: LILRA2 (leukocyte immunoglobulin like receptor A2; plus strand). Cytogenetic location: 19q13.42.
Variant type: single nucleotide variant.
Coding change: c.777A>G on transcript NM_001130917.3 (MANE Select); coding-DNA position 777, A replaced by G.
Protein change: p.Gly259=; no amino-acid change (glycine 259 retained).
Molecular consequence: synonymous variant.
Genome position (GRCh38, 1-based): chr19:54,575,377, A>G. VCF-style: chr19-54575377-A-G. GRCh37 (hg19) VCF-style: chr19-55086844-A-G.
Other names: c.741A>G, p.Gly247= (NM_001290270.1); c.777A>G, p.Gly259= (NM_001290271.2, NM_006866.4).
Identifiers: ClinVar variation 4534099 (VCV004534099.6).
Genomic context (GRCh38, chr19:54,575,377, plus strand): 5'-CCTGACCCTCCAGTGTGTCTCTGATGTCGGCTACGACAGATTTGTTCTGTATAAGGAGGG[A>G]GAACGTGACTTCCTCCAGCGCCCTGGTTGGCAGCCCCAGGCTGGGCTCTCCCAGGCCAAC-3'
Protein context (NP_001124389.2, residues 249-269): GYDRFVLYKE[Gly259=]ERDFLQRPGW

ClinVar aggregate classification (germline): Likely benign (1 of 4 stars; one submission).

Submission:

CeGaT Center for Human Genetics Tuebingen
Classification: Likely benign. Last evaluated: 2025-10-01. Review status: criteria provided, single submitter. Criteria: CeGaT Center For Human Genetics Tuebingen Variant Classification Criteria Version 2. Collection method: clinical testing. Allele origin: germline. Affected: yes. Observed: 1 variant allele.
Comment: LILRA2: BP4, BP7